The following is an entry in ClinVar:

ClinVar aggregate classification (germline): Uncertain significance. Review status: criteria provided, multiple submitters, no conflicts (2 of 4 stars). 5 submissions from 5 submitters: Uncertain significance (5). Last evaluated 2026-03-27.

Conditions:
Classic or attenuated familial adenomatous polyposis. Identifiers: MedGen CN372698, MONDO:0021057.
Hereditary cancer-predisposing syndrome. Also called: Hereditary neoplastic syndrome; Hereditary Cancer Syndrome; Neoplastic Syndromes, Hereditary; Tumor predisposition. Identifiers: Orphanet 140162, MedGen C0027672, MeSH D009386, MONDO:0015356.
Familial adenomatous polyposis 1 (FAP1). Also called: FAMILIAL ADENOMATOUS POLYPOSIS 1, ATTENUATED; POLYPOSIS, ADENOMATOUS INTESTINAL. Identifiers: MedGen C2713442, MONDO:0021056, OMIM 175100. Disease mechanism: loss of function.

Submissions (5):

Women's Health and Genetics/Laboratory Corporation of America, LabCorp
Classification: Uncertain significance. Last evaluated: 2026-03-27. Review status: criteria provided, single submitter. Criteria: LabCorp Variant Classification Summary - May 2015. Collection method: clinical testing. Allele origin: germline.
Comment: Variant summary: APC c.1562C>T (p.Ser521Phe) results in a non-conservative amino acid change in the encoded protein sequence. Algorithms developed to predict the effect of missense changes on protein structure and function are either unavailable or do not agree on the potential impact of this missense change. The variant was absent in 250890 control chromosomes. The available data on variant occurrences in the general population are insufficient to allow any conclusion about variant significance. To our knowledge, no occurrence of c.1562C>T in individuals affected with APC-related conditions and no experimental evidence demonstrating its impact on protein function have been reported. ClinVar contains an entry for this variant (Variation ID: 576742). Based on the evidence outlined above, the variant was classified as uncertain significance.

Labcorp Genetics (formerly Invitae), Labcorp
Classification: Uncertain significance for Familial adenomatous polyposis 1. Last evaluated: 2025-12-17. Review status: criteria provided, single submitter. Criteria: Invitae Variant Classification Sherloc (09022015). Collection method: clinical testing. Allele origin: germline.
Comment: This sequence change replaces serine, which is neutral and polar, with phenylalanine, which is neutral and non-polar, at codon 521 of the APC protein (p.Ser521Phe). This variant is not present in population databases (gnomAD no frequency). This variant has not been reported in the literature in individuals affected with APC-related conditions. ClinVar contains an entry for this variant (Variation ID: 576742). Invitae Evidence Modeling of protein sequence and biophysical properties (such as structural, functional, and spatial information, amino acid conservation, physicochemical variation, residue mobility, and thermodynamic stability) indicates that this missense variant is not expected to disrupt APC protein function with a negative predictive value of 95%. In summary, the available evidence is currently insufficient to determine the role of this variant in disease. Therefore, it has been classified as a Variant of Uncertain Significance.

All of Us Research Program, National Institutes of Health
Classification: Uncertain significance for Classic or attenuated familial adenomatous polyposis. Last evaluated: 2023-12-01. Review status: criteria provided, single submitter. Criteria: ACMG Guidelines, 2015. Collection method: clinical testing. Allele origin: germline. Inheritance: Autosomal dominant inheritance. Observed: 2 variant alleles, 2 heterozygotes.
Comment: This missense variant replaces serine with phenylalanine at codon 521 of the APC protein. Computational prediction is inconclusive regarding the impact of this variant on protein structure and function (internally defined REVEL score threshold 0.5 < inconclusive < 0.7, PMID: 27666373). To our knowledge, functional studies have not been reported for this variant. This variant has not been reported in individuals affected with hereditary cancer in the literature. This variant has not been identified in the general population by the Genome Aggregation Database (gnomAD). The available evidence is insufficient to determine the role of this variant in disease conclusively. Therefore, this variant is classified as a Variant of Uncertain Significance.

This study involves interpretation of variants in research participants for the purpose of population health screening. Participant phenotype was not available at the time of variant classification. Additional details can be found in publication PMID: 35346344, PMCID: PMC8962531

Ambry Genetics
Classification: Uncertain significance for Hereditary cancer-predisposing syndrome. Last evaluated: 2023-03-29. Review status: criteria provided, single submitter. Criteria: Ambry Variant Classification Scheme 2023. Collection method: clinical testing. Allele origin: germline.
Comment: The p.S521F variant (also known as c.1562C>T), located in coding exon 12 of the APC gene, results from a C to T substitution at nucleotide position 1562. The serine at codon 521 is replaced by phenylalanine, an amino acid with highly dissimilar properties. This amino acid position is highly conserved in available vertebrate species. In addition, in silico predictors for this gene do not accurately predict pathogenicity. Since supporting evidence is limited at this time, the clinical significance of this alteration remains unclear.

Color Diagnostics, LLC DBA Color Health
Classification: Uncertain significance for Hereditary cancer-predisposing syndrome. Last evaluated: 2020-03-10. Review status: criteria provided, single submitter. Criteria: ACMG Guidelines, 2015. Collection method: clinical testing. Allele origin: germline.
Comment: This missense variant replaces serine with phenylalanine at codon 521 of the APC protein. Computational prediction is inconclusive regarding the impact of this variant on protein structure and function (internally defined REVEL score threshold 0.5 < inconclusive < 0.7, PMID: 27666373). To our knowledge, functional studies have not been reported for this variant. This variant has not been reported in individuals affected with hereditary cancer in the literature. This variant has not been identified in the general population by the Genome Aggregation Database (gnomAD). The available evidence is insufficient to determine the role of this variant in disease conclusively. Therefore, this variant is classified as a Variant of Uncertain Significance.

NM_000038.6(APC):c.1562C>T (p.Ser521Phe)

Gene: APC (APC regulator of Wnt signaling pathway; plus strand). Cytogenetic location: 5q22.2.
Variant type: single nucleotide variant.
Coding change: c.1562C>T on transcript NM_000038.6 (MANE Select); coding-DNA position 1562, C replaced by T.
Protein change: p.Ser521Phe; replaces serine 521 with phenylalanine.
Molecular consequence: missense variant.
Genome position (GRCh38, 1-based): chr5:112,827,942, C>T. VCF-style: chr5-112827942-C-T. GRCh37 (hg19) VCF-style: chr5-112163639-C-T.
Other names: c.1562C>T, p.Ser521Phe (NM_001127510.3, NM_001354895.2); c.1508C>T, p.Ser503Phe (NM_001127511.3); c.1616C>T, p.Ser539Phe (NM_001354896.2); c.1592C>T, p.Ser531Phe (NM_001354897.2); c.1487C>T, p.Ser496Phe (NM_001354898.2); c.1478C>T, p.Ser493Phe (NM_001354899.2); c.1439C>T, p.Ser480Phe (NM_001354900.2); c.1385C>T, p.Ser462Phe (NM_001354901.2); and 5 more; short protein forms S503F, S521F, S462F, S480F, S496F, S531F, S395F, S420F.
Identifiers: ClinVar variation 576742 (VCV000576742.21), dbSNP rs1554081882, ClinGen allele CA16024720.